The following is an entry in ClinVar:

ClinVar aggregate classification (germline): Uncertain significance (1 of 4 stars; one submission).

Conditions:
Hypertrophic cardiomyopathy. Also called: HYPERTROPHIC MYOCARDIOPATHY. Identifiers: Orphanet 217569, MedGen C0007194, MeSH D002312, MONDO:0005045, HP:0001639.

Allele frequency attached by ClinVar (database versions not stated): gnomAD exomes 0.00001.
gnomAD v4.1: 4 of 1,609,392 alleles (0.00025%); highest among the groups gnomAD compares: Non-Finnish European, 0.00034%; no homozygotes.

Submission:

Labcorp Genetics (formerly Invitae), Labcorp
Classification: Uncertain significance for Hypertrophic cardiomyopathy. Last evaluated: 2021-06-11. Review status: criteria provided, single submitter. Criteria: Invitae Variant Classification Sherloc (09022015). Collection method: clinical testing. Allele origin: germline.
Comment: In summary, the available evidence is currently insufficient to determine the role of this variant in disease. Therefore, it has been classified as a Variant of Uncertain Significance. Algorithms developed to predict the effect of missense changes on protein structure and function (SIFT, PolyPhen-2, Align-GVGD) all suggest that this variant is likely to be tolerated, but these predictions have not been confirmed by published functional studies and their clinical significance is uncertain. This variant has not been reported in the literature in individuals with MYOM1-related conditions. This variant is not present in population databases (ExAC no frequency). This sequence change replaces alanine with threonine at codon 216 of the MYOM1 protein (p.Ala216Thr). The alanine residue is weakly conserved and there is a small physicochemical difference between alanine and threonine.

NM_003803.4(MYOM1):c.646G>A (p.Ala216Thr)

Gene: MYOM1 (myomesin 1; minus strand). Cytogenetic location: 18p11.31.
Variant type: single nucleotide variant.
Coding change: c.646G>A on transcript NM_003803.4 (MANE Select); coding-DNA position 646, G replaced by A.
Protein change: p.Ala216Thr; replaces alanine 216 with threonine.
Molecular consequence: missense variant.
Genome position (GRCh38, 1-based): chr18:3,188,873, C>T on the plus strand (G>A on the coding strand, the complement: MYOM1 is on the minus strand). VCF-style: chr18-3188873-C-T. GRCh37 (hg19) VCF-style: chr18-3188871-C-T.
Other names: c.646G>A, p.Ala216Thr (NM_019856.2); short protein forms A216T.
Identifiers: ClinVar variation 1429962 (VCV001429962.8), dbSNP rs1229084764, ClinGen allele CA401716670.